The following is an entry in ClinVar:

ClinVar aggregate classification (germline): Uncertain significance (1 of 4 stars; one submission).

Allele frequency attached by ClinVar (database versions not stated): gnomAD exomes 0.00001.
gnomAD v4.1: 8 of 1,614,092 alleles (0.0005%); highest among the groups gnomAD compares: East Asian, 0.0022%; no homozygotes.

Submission:

Ambry Genetics
Classification: Uncertain significance. Last evaluated: 2022-05-19. Review status: criteria provided, single submitter. Criteria: Ambry Variant Classification Scheme 2023. Collection method: clinical testing. Allele origin: germline.
Comment: The p.S981R variant (also known as c.2941A>C), located in coding exon 15 of the NPAT gene, results from an A to C substitution at nucleotide position 2941. The serine at codon 981 is replaced by arginine, an amino acid with dissimilar properties. This amino acid position is conserved. In addition, this alteration is predicted to be tolerated by in silico analysis. Since supporting evidence is limited at this time, the clinical significance of this alteration remains unclear.

NM_002519.3(NPAT):c.2941A>C (p.Ser981Arg)

Gene: NPAT (nuclear protein, coactivator of histone transcription; minus strand). Cytogenetic location: 11q22.3.
Variant type: single nucleotide variant.
Coding change: c.2941A>C on transcript NM_002519.3 (MANE Select); coding-DNA position 2941, A replaced by C.
Protein change: p.Ser981Arg; replaces serine 981 with arginine.
Molecular consequence: missense variant.
Genome position (GRCh38, 1-based): chr11:108,169,813, T>G on the plus strand (A>C on the coding strand, the complement: NPAT is on the minus strand). VCF-style: chr11-108169813-T-G. GRCh37 (hg19) VCF-style: chr11-108040540-T-G.
Other names: c.2941A>C, p.Ser981Arg (NM_001321307.1); short protein forms S981R.
Identifiers: ClinVar variation 1797919 (VCV001797919.2), dbSNP rs2496710799, ClinGen allele CA382511899.